The following is an entry in ClinVar:

ClinVar aggregate classification (germline): Conflicting classifications of pathogenicity. Review status: criteria provided, conflicting classifications (1 of 4 stars). 2 submissions from 2 submitters: Likely pathogenic (1); Uncertain significance (1). Last evaluated 2025-05-12.

Conditions:
IFT74-related disorder. Also called: IFT74-related condition; IFT74-Related Disorders.

Submissions (2):

PreventionGenetics, part of Exact Sciences
Classification: Likely pathogenic for IFT74-related condition. Last evaluated: 2025-05-12. Review status: criteria provided, single submitter. Criteria: ACMG Guidelines, 2015. Collection method: clinical testing. Allele origin: germline.
Comment: The IFT74 c.15_16delCA variant is predicted to result in a frameshift and premature protein termination (p.His5Glnfs*97). To our knowledge, this variant has not been reported in the literature. This variant is reported in 0.0083% of alleles in individuals of African descent in gnomAD. Frameshift variants in IFT74 are expected to be pathogenic. This variant is interpreted as likely pathogenic.

GeneDx
Classification: Uncertain significance. Last evaluated: 2024-05-23. Review status: criteria provided, single submitter. Criteria: GeneDx Variant Classification Process June 2021. Collection method: clinical testing. Allele origin: germline. Affected: yes.
Comment: Frameshift variant predicted to result in protein truncation or nonsense mediated decay in a gene or region of a gene for which loss of function is not a well-established mechanism of disease; Has not been previously published as pathogenic or benign to our knowledge

NM_025103.4(IFT74):c.15_16del (p.His5fs)

Gene: IFT74 (intraflagellar transport 74; plus strand). Cytogenetic location: 9p21.2.
Variant type: Microsatellite.
Coding change: c.15_16del on transcript NM_025103.4 (MANE Select); coding-DNA positions 15 to 16, 2 bases deleted (CA; older notation c.15_16delCA).
Protein change: p.His5fs; shifts the reading frame from histidine 5.
Molecular consequence: frameshift variant.
Genome position (GRCh38, 1-based): chr9:26,961,982-26,961,983, CA deleted; deleting any 2 consecutive bases within chr9:26,961,980-26,961,983 gives the same sequence; the c. name uses the placement nearest the transcript's 3' end. VCF-style (leftmost placement, unchanged base first): chr9-26961979-TCA-T. GRCh37 (hg19) VCF-style: chr9-26961977-TCA-T.
Other names: c.15_16delCA (NM_025103.2); c.15_16del, p.His5fs (NM_001099222.3, NM_001099223.3, NM_001099224.3 and 1 more transcripts); short protein forms H5fs.
Identifiers: ClinVar variation 3383545 (VCV003383545.2).